The following is an entry in ClinVar:

NM_000179.3(MSH6):c.454A>G (p.Thr152Ala)

Gene: MSH6 (mutS homolog 6; plus strand). Cytogenetic location: 2p16.3.
Variant type: single nucleotide variant.
Coding change: c.454A>G on transcript NM_000179.3 (MANE Select); coding-DNA position 454, A replaced by G.
Protein change: p.Thr152Ala; replaces threonine 152 with alanine.
Molecular consequence: missense variant. On other transcripts: 5 prime UTR variant (7), non-coding transcript variant (5), intron variant (6).
Genome position (GRCh38, 1-based): chr2:47,791,120, A>G. VCF-style: chr2-47791120-A-G. GRCh37 (hg19) VCF-style: chr2-48018259-A-G.
Other names: c.454A>G, p.Thr152Ala (NM_001406813.1, NM_001406817.1, NM_001407362.1 and 6 more transcripts); c.-541A>G (NM_001406814.1); c.157A>G, p.Thr53Ala (NM_001406818.1, NM_001406819.1, NM_001406820.1 and 10 more transcripts); c.-283A>G (NM_001406823.1, NM_001406829.1, NM_001281493.2 and 1 more transcripts); c.286A>G, p.Thr96Ala (NM_001406826.1); c.-449A>G (NM_001281494.2); c.550A>G, p.Thr184Ala (NM_001406795.1, NM_001406802.1); c.376A>G, p.Thr126Ala (NM_001406804.1); and 5 more; short protein forms T184A, T96A, T152A, T53A, T126A.
Identifiers: ClinVar variation 3697601 (VCV003697601.2).
Genomic context (GRCh38, chr2:47,791,120, plus strand): 5'-CAGTTTTTTGATGACAGCCCAACAAGGGGCTGGGTTAGCAAAAGGCTTTTAAAGCCATAT[A>G]CAGGTAAGAGTCACTACTGCCATGTGTGTGTGTTTGTGTGTGTGTGTGTGTGTGTGAGAG-3'
Protein context (NP_000170.1, residues 142-162): WVSKRLLKPY[Thr152Ala]GSKSKEAQKG

ClinVar aggregate classification (germline): Uncertain significance (1 of 4 stars; one submission).

Conditions:
Hereditary nonpolyposis colorectal neoplasms. Identifiers: MedGen C0009405, MeSH D003123.

Submission:

Labcorp Genetics (formerly Invitae), Labcorp
Classification: Uncertain significance for Hereditary nonpolyposis colorectal neoplasms. Last evaluated: 2024-07-14. Review status: criteria provided, single submitter. Criteria: Invitae Variant Classification Sherloc (09022015). Collection method: clinical testing. Allele origin: germline.
Comment: This sequence change replaces threonine, which is neutral and polar, with alanine, which is neutral and non-polar, at codon 152 of the MSH6 protein (p.Thr152Ala). This variant is not present in population databases (gnomAD no frequency). This variant has not been reported in the literature in individuals affected with MSH6-related conditions. Advanced modeling of protein sequence and biophysical properties (such as structural, functional, and spatial information, amino acid conservation, physicochemical variation, residue mobility, and thermodynamic stability) performed at Invitae indicates that this missense variant is not expected to disrupt MSH6 protein function with a negative predictive value of 95%. In summary, the available evidence is currently insufficient to determine the role of this variant in disease. Therefore, it has been classified as a Variant of Uncertain Significance.